The following is an entry in ClinVar:

ClinVar aggregate classification (germline): Uncertain significance (0 of 4 stars; one submission).

Conditions:
EP300-related disorder. Also called: EP300-related condition; EP300-related disorders.

gnomAD v4.1: 4 of 1,614,014 alleles (0.00025%); highest among the groups gnomAD compares: South Asian, 0.0011%; no homozygotes.

Submission:

PreventionGenetics, part of Exact Sciences
Classification: Uncertain significance for EP300-related condition. Last evaluated: 2024-05-23. Review status: no assertion criteria provided. Collection method: clinical testing. Allele origin: germline.
Comment: The EP300 c.7154T>C variant is predicted to result in the amino acid substitution p.Leu2385Pro. To our knowledge, this variant has not been reported in the literature. This variant is reported in 0.0033% of alleles in individuals of South Asian descent in gnomAD. At this time, the clinical significance of this variant is uncertain due to the absence of conclusive functional and genetic evidence.

NM_001429.4(EP300):c.7154T>C (p.Leu2385Pro)

Gene: EP300 (E1A binding protein p300; plus strand). Cytogenetic location: 22q13.2.
Variant type: single nucleotide variant.
Coding change: c.7154T>C on transcript NM_001429.4 (MANE Select); coding-DNA position 7154, T replaced by C.
Protein change: p.Leu2385Pro; replaces leucine 2385 with proline.
Molecular consequence: missense variant.
Genome position (GRCh38, 1-based): chr22:41,178,865, T>C. VCF-style: chr22-41178865-T-C. GRCh37 (hg19) VCF-style: chr22-41574869-T-C.
Other names: c.7076T>C, p.Leu2359Pro (NM_001362843.2); short protein forms L2359P, L2385P.
Identifiers: ClinVar variation 3344655 (VCV003344655.1).
Genomic context (GRCh38, chr22:41,178,865, plus strand): 5'-CCAGCCCGGACCAGAATTCAATGCTTTCTCAGCTTGCTAGCAATCCAGGCATGGCAAACC[T>C]CCATGGTGCAAGCGCCACGGACCTGGGACTCAGCACCGATAACTCAGACTTGAATTCAAA-3'
Protein context (NP_001420.2, residues 2375-2395): QLASNPGMAN[Leu2385Pro]HGASATDLGL